The following is an entry in ClinVar:

NM_001122681.2(SH3BP2):c.586+8G>A

Gene: SH3BP2 (SH3 domain binding protein 2; plus strand). Cytogenetic location: 4p16.3.
Variant type: single nucleotide variant.
Coding change: c.586+8G>A on transcript NM_001122681.2 (MANE Select); 8 bases into the intron after coding-DNA position 586, G replaced by A.
Molecular consequence: intron variant.
Genome position (GRCh38, 1-based): chr4:2,827,682, G>A. VCF-style: chr4-2827682-G-A. GRCh37 (hg19) VCF-style: chr4-2829409-G-A.
Other names: p.?; c.670+8G>A (LRG_1334t2, NM_001145855.2); c.586+8G>A (LRG_1334t1, NM_003023.4); c.757+8G>A (NM_001145856.2).
Identifiers: ClinVar variation 258897 (VCV000258897.20), dbSNP rs28516876, ClinGen allele CA2819250.

ClinVar aggregate classification (germline): Benign. Review status: criteria provided, multiple submitters, no conflicts (2 of 4 stars). 7 submissions from 7 submitters: Benign (7). Last evaluated 2026-02-04.

Conditions:
Fibrous dysplasia of jaw (CRBM). Also called: Cherubism. Identifiers: Orphanet 184, MedGen C0008029, MONDO:0007315, OMIM 118400.

Allele frequency attached by ClinVar (database versions not stated): gnomAD 0.11718; TOPMed 0.13426; ESP Exome Variant Server 0.13568; 1000 Genomes Project 0.15016; ExAC 0.15549; 1000 Genomes Project 30x 0.15740.
gnomAD v4.1: 127,403 of 1,569,274 alleles (8.1%); highest among the groups gnomAD compares: African/African-American, 28%; 7,286 homozygotes.

Submissions 1 to 31 of 43:

Labcorp Genetics (formerly Invitae), Labcorp
Classification: Benign for Fibrous dysplasia of jaw. Last evaluated: 2026-02-04. Review status: criteria provided, single submitter. Criteria: Invitae Variant Classification Sherloc (09022015). Collection method: clinical testing. Allele origin: germline.

Women's Health and Genetics/Laboratory Corporation of America, LabCorp
Classification: Benign. Last evaluated: 2026-01-21. Review status: criteria provided, single submitter. Criteria: LabCorp Variant Classification Summary - May 2015. Collection method: clinical testing. Allele origin: germline.

GeneDx
Classification: Benign. Last evaluated: 2021-05-15. Review status: criteria provided, single submitter. Criteria: GeneDx Variant Classification Process June 2021. Collection method: clinical testing. Allele origin: germline. Affected: yes.

Mayo Clinic Laboratories, Mayo Clinic
Classification: Benign. Last evaluated: 2018-05-29. Review status: criteria provided, single submitter. Criteria: ACMG Guidelines, 2015. Collection method: clinical testing. Allele origin: germline. Observed: 175 variant alleles.

Illumina Laboratory Services, Illumina
Classification: Benign for Fibrous dysplasia of jaw. Last evaluated: 2018-01-12. Review status: criteria provided, single submitter. Criteria: ICSL Variant Classification Criteria 13 December 2019. Collection method: clinical testing. Allele origin: germline.
Comment: This variant was observed in the ICSL laboratory as part of a predisposition screen in an ostensibly healthy population. It had not been previously curated by ICSL or reported in the Human Gene Mutation Database (HGMD: prior to June 1st, 2018), and was therefore a candidate for classification through an automated scoring system. Utilizing variant allele frequency, disease prevalence and penetrance estimates, and inheritance mode, an automated score was calculated to assess if this variant is too frequent to cause the disease. Based on the score and internal cut-off values, a variant classified as benign is not then subjected to further curation. The score for this variant resulted in a classification of benign for this disease.

Breakthrough Genomics
Classification: Benign. Review status: criteria provided, single submitter. Criteria: ACMG Guidelines, 2015. Collection method: not provided. Allele origin: germline. Inheritance: Autosomal dominant inheritance. Affected: yes.

PreventionGenetics, part of Exact Sciences
Classification: Benign. Review status: criteria provided, single submitter. Criteria: ACMG Guidelines, 2015. Collection method: clinical testing. Allele origin: germline.

Dr. Peter K. Rogan Lab, Western University
No classification provided (evidence only). Condition: Acute myeloid leukemia. Review status: no classification provided. Collection method: in vitro. Allele origin: not applicable. Functional consequence: retained intron. Not counted in ClinVar's aggregate classification.

Dr. Peter K. Rogan Lab, Western University
No classification provided (evidence only). Condition: Acute myeloid leukemia. Review status: no classification provided. Collection method: in vitro. Allele origin: not applicable. Functional consequence: retained intron. Not counted in ClinVar's aggregate classification.

Dr. Peter K. Rogan Lab, Western University
No classification provided (evidence only). Condition: Acute myeloid leukemia. Review status: no classification provided. Collection method: in vitro. Allele origin: not applicable. Functional consequence: retained intron. Not counted in ClinVar's aggregate classification.

Dr. Peter K. Rogan Lab, Western University
No classification provided (evidence only). Condition: Acute myeloid leukemia. Review status: no classification provided. Collection method: in vitro. Allele origin: not applicable. Functional consequence: retained intron. Not counted in ClinVar's aggregate classification.

Dr. Peter K. Rogan Lab, Western University
No classification provided (evidence only). Condition: Acute myeloid leukemia. Review status: no classification provided. Collection method: in vitro. Allele origin: not applicable. Functional consequence: retained intron. Not counted in ClinVar's aggregate classification.

Dr. Peter K. Rogan Lab, Western University
No classification provided (evidence only). Condition: Acute myeloid leukemia. Review status: no classification provided. Collection method: in vitro. Allele origin: not applicable. Functional consequence: retained intron. Not counted in ClinVar's aggregate classification.

Dr. Peter K. Rogan Lab, Western University
No classification provided (evidence only). Condition: Thymoma. Review status: no classification provided. Collection method: in vitro. Allele origin: not applicable. Functional consequence: retained intron. Not counted in ClinVar's aggregate classification.

Dr. Peter K. Rogan Lab, Western University
No classification provided (evidence only). Condition: Thymoma. Review status: no classification provided. Collection method: in vitro. Allele origin: not applicable. Functional consequence: retained intron. Not counted in ClinVar's aggregate classification.

Dr. Peter K. Rogan Lab, Western University
No classification provided (evidence only). Condition: Cholangiocarcinoma. Review status: no classification provided. Collection method: in vitro. Allele origin: not applicable. Functional consequence: retained intron. Not counted in ClinVar's aggregate classification.

Dr. Peter K. Rogan Lab, Western University
No classification provided (evidence only). Condition: Gastric cancer. Review status: no classification provided. Collection method: in vitro. Allele origin: not applicable. Functional consequence: retained intron. Not counted in ClinVar's aggregate classification.

Dr. Peter K. Rogan Lab, Western University
No classification provided (evidence only). Condition: Gastric cancer. Review status: no classification provided. Collection method: in vitro. Allele origin: not applicable. Functional consequence: retained intron. Not counted in ClinVar's aggregate classification.

Dr. Peter K. Rogan Lab, Western University
No classification provided (evidence only). Condition: Gastric cancer. Review status: no classification provided. Collection method: in vitro. Allele origin: not applicable. Functional consequence: retained intron. Not counted in ClinVar's aggregate classification.

Dr. Peter K. Rogan Lab, Western University
No classification provided (evidence only). Condition: Gastric cancer. Review status: no classification provided. Collection method: in vitro. Allele origin: not applicable. Functional consequence: retained intron. Not counted in ClinVar's aggregate classification.

Dr. Peter K. Rogan Lab, Western University
No classification provided (evidence only). Condition: Gastric cancer. Review status: no classification provided. Collection method: in vitro. Allele origin: not applicable. Functional consequence: retained intron. Not counted in ClinVar's aggregate classification.

Dr. Peter K. Rogan Lab, Western University
No classification provided (evidence only). Condition: Uterine carcinosarcoma. Review status: no classification provided. Collection method: in vitro. Allele origin: not applicable. Functional consequence: retained intron. Not counted in ClinVar's aggregate classification.

Dr. Peter K. Rogan Lab, Western University
No classification provided (evidence only). Condition: Uterine carcinosarcoma. Review status: no classification provided. Collection method: in vitro. Allele origin: not applicable. Functional consequence: retained intron. Not counted in ClinVar's aggregate classification.

Dr. Peter K. Rogan Lab, Western University
No classification provided (evidence only). Condition: Uterine carcinosarcoma. Review status: no classification provided. Collection method: in vitro. Allele origin: not applicable. Functional consequence: retained intron. Not counted in ClinVar's aggregate classification.

Dr. Peter K. Rogan Lab, Western University
No classification provided (evidence only). Condition: Uterine carcinosarcoma. Review status: no classification provided. Collection method: in vitro. Allele origin: not applicable. Functional consequence: retained intron. Not counted in ClinVar's aggregate classification.

Dr. Peter K. Rogan Lab, Western University
No classification provided (evidence only). Condition: Chronic lymphocytic leukemia/small lymphocytic lymphoma. Review status: no classification provided. Collection method: in vitro. Allele origin: not applicable. Functional consequence: cryptic splice site. Not counted in ClinVar's aggregate classification.

Dr. Peter K. Rogan Lab, Western University
No classification provided (evidence only). Condition: Chronic lymphocytic leukemia/small lymphocytic lymphoma. Review status: no classification provided. Collection method: in vitro. Allele origin: not applicable. Functional consequence: cryptic splice site, retained intron. Not counted in ClinVar's aggregate classification.

Dr. Peter K. Rogan Lab, Western University
No classification provided (evidence only). Condition: Chronic lymphocytic leukemia/small lymphocytic lymphoma. Review status: no classification provided. Collection method: in vitro. Allele origin: not applicable. Functional consequence: retained intron. Not counted in ClinVar's aggregate classification.

Dr. Peter K. Rogan Lab, Western University
No classification provided (evidence only). Condition: Chronic lymphocytic leukemia/small lymphocytic lymphoma. Review status: no classification provided. Collection method: in vitro. Allele origin: not applicable. Functional consequence: cryptic splice site, retained intron. Not counted in ClinVar's aggregate classification.

Dr. Peter K. Rogan Lab, Western University
No classification provided (evidence only). Condition: Chronic lymphocytic leukemia/small lymphocytic lymphoma. Review status: no classification provided. Collection method: in vitro. Allele origin: not applicable. Functional consequence: cryptic splice site. Not counted in ClinVar's aggregate classification.

Dr. Peter K. Rogan Lab, Western University
No classification provided (evidence only). Condition: Chronic lymphocytic leukemia/small lymphocytic lymphoma. Review status: no classification provided. Collection method: in vitro. Allele origin: not applicable. Functional consequence: retained intron. Not counted in ClinVar's aggregate classification.